The following is an entry in ClinVar:

ClinVar aggregate classification (germline): Uncertain significance (1 of 4 stars; one submission).

Conditions:
Retinoblastoma (RB1). Also called: RETINOBLASTOMA, SOMATIC. Identifiers: Orphanet 790, MedGen C0035335, MeSH D012175, MONDO:0008380, OMIM 180200, HP:0009919. Disease mechanism: loss of function. Inheritance: Both sporadic and heritable forms are tested..

Submission:

Labcorp Genetics (formerly Invitae), Labcorp
Classification: Uncertain significance for Retinoblastoma. Last evaluated: 2020-11-20. Review status: criteria provided, single submitter. Criteria: Invitae Variant Classification Sherloc (09022015). Collection method: clinical testing. Allele origin: germline.
Comment: Algorithms developed to predict the effect of missense changes on protein structure and function (SIFT, PolyPhen-2, Align-GVGD) all suggest that this variant is likely to be disruptive, but these predictions have not been confirmed by published functional studies and their clinical significance is uncertain. In summary, the available evidence is currently insufficient to determine the role of this variant in disease. Therefore, it has been classified as a Variant of Uncertain Significance. This variant has not been reported in the literature in individuals with RB1-related conditions. This variant is not present in population databases (ExAC no frequency). This sequence change replaces threonine with asparagine at codon 140 of the RB1 protein (p.Thr140Asn). The threonine residue is highly conserved and there is a small physicochemical difference between threonine and asparagine.

NM_000321.3(RB1):c.419C>A (p.Thr140Asn)

Gene: RB1 (RB transcriptional corepressor 1; plus strand). Cytogenetic location: 13q14.2.
Variant type: single nucleotide variant.
Coding change: c.419C>A on transcript NM_000321.3 (MANE Select); coding-DNA position 419, C replaced by A.
Protein change: p.Thr140Asn; replaces threonine 140 with asparagine.
Molecular consequence: missense variant.
Genome position (GRCh38, 1-based): chr13:48,345,118, C>A. VCF-style: chr13-48345118-C-A. GRCh37 (hg19) VCF-style: chr13-48919254-C-A.
Other names: short protein forms T140N.
Identifiers: ClinVar variation 1365161 (VCV001365161.8), dbSNP rs2138087361, ClinGen allele CA388252678.